The following is an entry in ClinVar:

NM_001372044.2(SHANK3):c.4278T>G (p.Ser1426=)

Gene: SHANK3 (SH3 and multiple ankyrin repeat domains 3; plus strand). Cytogenetic location: 22q13.33.
Variant type: single nucleotide variant.
Coding change: c.4278T>G on transcript NM_001372044.2 (MANE Select); coding-DNA position 4278, T replaced by G.
Protein change: p.Ser1426=; no amino-acid change (serine 1426 retained).
Molecular consequence: synonymous variant.
Genome position (GRCh38, 1-based): chr22:50,721,886, T>G. VCF-style: chr22-50721886-T-G. GRCh37 (hg19) VCF-style: chr22-51160314-T-G.
Identifiers: ClinVar variation 4873928 (VCV004873928.2).

ClinVar aggregate classification (germline): Likely benign (1 of 4 stars; one submission).

Submission:

CeGaT Center for Human Genetics Tuebingen
Classification: Likely benign. Last evaluated: 2026-04-01. Review status: criteria provided, single submitter. Criteria: CeGaT Center For Human Genetics Tuebingen Variant Classification Criteria Version 2. Collection method: clinical testing. Allele origin: germline. Affected: yes. Observed: 1 variant allele.
Comment: SHANK3: PM2:Supporting, BP4, BP7